The following is an entry in ClinVar:

ClinVar aggregate classification (germline): Pathogenic. Review status: criteria provided, multiple submitters, no conflicts (2 of 4 stars). 3 submissions from 3 submitters: Pathogenic (2). 1 of the submissions does not count toward it. Last evaluated 2026-01-01.

Conditions:
Intellectual developmental disorder with seizures and language delay (IDDSELD). Identifiers: MedGen C5436574, MONDO:0033559, OMIM 619000.

Submissions (3):

CeGaT Center for Human Genetics Tuebingen
Classification: Pathogenic. Last evaluated: 2026-01-01. Review status: criteria provided, single submitter. Criteria: CeGaT Center For Human Genetics Tuebingen Variant Classification Criteria Version 2. Collection method: clinical testing. Allele origin: germline. Affected: yes. Observed: 2 variant alleles.
Comment: SETD1B: PVS1, PM2, PS2:Moderate, PS4:Moderate

Baylor Genetics
Classification: Pathogenic for Intellectual developmental disorder with seizures and language delay. Last evaluated: 2023-08-07. Review status: criteria provided, single submitter. Criteria: ACMG Guidelines, 2015. Collection method: clinical testing. Allele origin: unknown.

Cytogénomique, Hospices Civils de Lyon
Classification: Pathogenic for Intellectual developmental disorder with seizures and language delay. Review status: no assertion criteria provided. Collection method: clinical testing. Allele origin: de novo. Inheritance: Autosomal dominant inheritance. Affected: yes. Not counted in ClinVar's aggregate classification.

NM_001353345.2(SETD1B):c.1371dup (p.Asp458fs)

Gene: SETD1B (SET domain containing 1B, histone lysine methyltransferase; plus strand). Cytogenetic location: 12q24.31.
Variant type: Duplication.
Coding change: c.1371dup on transcript NM_001353345.2 (MANE Select); coding-DNA position 1371, one base duplicated (C; older notation c.1371dupC).
Protein change: p.Asp458fs; shifts the reading frame from aspartic acid 458.
Molecular consequence: frameshift variant.
Genome position (GRCh38, 1-based): chr12:121,810,316, C duplicated; the last of 6 consecutive C bases (chr12:121,810,311-121,810,316); duplicating any one gives the same sequence. VCF-style (leftmost placement, unchanged base first): chr12-121810310-G-GC. GRCh37 (hg19) VCF-style: chr12-122248216-G-GC.
Other names: short protein forms D458fs.
Identifiers: ClinVar variation 1321921 (VCV001321921.21), dbSNP rs2137552415, ClinGen allele CA608061391.